The following is an entry in ClinVar:

ClinVar aggregate classification (germline): Uncertain significance (1 of 4 stars; one submission).

Allele frequency attached by ClinVar (database versions not stated): gnomAD exomes below 0.00001; TOPMed below 0.00001; ExAC 0.00001.
gnomAD v4.1: 1 of 1,614,110 alleles (0.000062%); highest among the groups gnomAD compares: Admixed American, 0.0017%; no homozygotes.

Submission:

Labcorp Genetics (formerly Invitae), Labcorp
Classification: Uncertain significance. Last evaluated: 2023-05-03. Review status: criteria provided, single submitter. Criteria: Invitae Variant Classification Sherloc (09022015). Collection method: clinical testing. Allele origin: germline.
Comment: In summary, the available evidence is currently insufficient to determine the role of this variant in disease. Therefore, it has been classified as a Variant of Uncertain Significance. An algorithm developed to predict the effect of missense changes on protein structure and function (PolyPhen-2) suggests that this variant is likely to be disruptive. This variant has not been reported in the literature in individuals affected with SON-related conditions. This variant is present in population databases (rs780288960, gnomAD 0.003%). This sequence change replaces valine, which is neutral and non-polar, with isoleucine, which is neutral and non-polar, at codon 703 of the SON protein (p.Val703Ile).

NM_138927.4(SON):c.2107G>A (p.Val703Ile)

Gene: SON (SON DNA and RNA binding protein; plus strand). Cytogenetic location: 21q22.11.
Variant type: single nucleotide variant.
Coding change: c.2107G>A on transcript NM_138927.4 (MANE Select); coding-DNA position 2107, G replaced by A.
Protein change: p.Val703Ile; replaces valine 703 with isoleucine.
Molecular consequence: missense variant. On other transcripts: non-coding transcript variant (1), intron variant (1).
Genome position (GRCh38, 1-based): chr21:33,551,338, G>A. VCF-style: chr21-33551338-G-A. GRCh37 (hg19) VCF-style: chr21-34923644-G-A.
Other names: c.2107G>A, p.Val703Ile (NM_001291411.2, NM_001412133.1, NM_032195.3 and 2 more transcripts); c.244+4959G>A (NM_001291412.3); short protein forms V703I.
Identifiers: ClinVar variation 2986036 (VCV002986036.3), dbSNP rs780288960, ClinGen allele CA10009026.